The following is an entry in ClinVar:

NM_001007553.3(CSDE1):c.439G>T (p.Glu147Ter)

Gene: CSDE1 (cold shock domain containing E1; minus strand). Cytogenetic location: 1p13.2.
Variant type: single nucleotide variant.
Coding change: c.439G>T on transcript NM_001007553.3 (MANE Select); coding-DNA position 439, G replaced by T.
Protein change: p.Glu147Ter; replaces glutamic acid 147 with a stop codon.
Molecular consequence: nonsense.
Genome position (GRCh38, 1-based): chr1:114,736,819, C>A on the plus strand (G>T on the coding strand, the complement: CSDE1 is on the minus strand). VCF-style: chr1-114736819-C-A. GRCh37 (hg19) VCF-style: chr1-115279440-C-A.
Other names: c.484G>T, p.Glu162Ter (NM_001130523.3); c.577G>T, p.Glu193Ter (NM_001242891.2); c.439G>T, p.Glu147Ter (NM_001242892.2); c.346G>T, p.Glu116Ter (NM_001242893.2, NM_007158.6); short protein forms E116*, E147*, E162*, E193*.
Identifiers: ClinVar variation 4085093 (VCV004085093.8).

ClinVar aggregate classification (germline): Likely pathogenic (1 of 4 stars; one submission).

Submission:

CeGaT Center for Human Genetics Tuebingen
Classification: Likely pathogenic. Last evaluated: 2025-07-01. Review status: criteria provided, single submitter. Criteria: CeGaT Center For Human Genetics Tuebingen Variant Classification Criteria Version 2. Collection method: clinical testing. Allele origin: germline. Affected: yes. Observed: 1 variant allele.
Comment: CSDE1: PVS1:Strong, PM2